The following is an entry in ClinVar:

ClinVar aggregate classification (germline): Uncertain significance (1 of 4 stars; one submission).

Conditions:
Orofacial cleft 6, susceptibility to (OFC6). Also called: CLEFT LIP WITH OR WITHOUT CLEFT PALATE, NONSYNDROMIC, 6. Identifiers: MedGen C1837213, MONDO:0012141, OMIM 608864.
Van der Woude syndrome. Identifiers: Orphanet 888, MedGen C0175697, MONDO:0019508.
Popliteal pterygium syndrome (PPS). Identifiers: Orphanet 294963, MedGen C0265259, MONDO:0017435.

Submission:

Labcorp Genetics (formerly Invitae), Labcorp
Classification: Uncertain significance for Orofacial cleft 6, susceptibility to; Van der Woude syndrome; Popliteal pterygium syndrome. Last evaluated: 2020-02-12. Review status: criteria provided, single submitter. Criteria: Invitae Variant Classification Sherloc (09022015). Collection method: clinical testing. Allele origin: germline.
Comment: Algorithms developed to predict the effect of missense changes on protein structure and function (SIFT, PolyPhen-2, Align-GVGD) all suggest that this variant is likely to be disruptive, but these predictions have not been confirmed by published functional studies and their clinical significance is uncertain. This sequence change replaces isoleucine with threonine at codon 311 of the IRF6 protein (p.Ile311Thr). The isoleucine residue is highly conserved and there is a moderate physicochemical difference between isoleucine and threonine. This variant is not present in population databases (ExAC no frequency). This variant has not been reported in the literature in individuals with IRF6-related conditions. In summary, the available evidence is currently insufficient to determine the role of this variant in disease. Therefore, it has been classified as a Variant of Uncertain Significance.

NM_006147.4(IRF6):c.932T>C (p.Ile311Thr)

Gene: IRF6 (interferon regulatory factor 6; minus strand). Cytogenetic location: 1q32.2.
Variant type: single nucleotide variant.
Coding change: c.932T>C on transcript NM_006147.4 (MANE Select); coding-DNA position 932, T replaced by C.
Protein change: p.Ile311Thr; replaces isoleucine 311 with threonine.
Molecular consequence: missense variant.
Genome position (GRCh38, 1-based): chr1:209,790,623, A>G on the plus strand (T>C on the coding strand, the complement: IRF6 is on the minus strand). VCF-style: chr1-209790623-A-G. GRCh37 (hg19) VCF-style: chr1-209963968-A-G.
Other names: c.647T>C, p.Ile216Thr (NM_001206696.2); short protein forms I216T, I311T.
Identifiers: ClinVar variation 1035083 (VCV001035083.10), dbSNP rs2077863646, ClinGen allele CA344575744.